The following is an entry in ClinVar:

NM_181332.3(NLGN4X):c.97G>A (p.Ala33Thr)

Gene: NLGN4X (neuroligin 4 X-linked; minus strand). Cytogenetic location: Xp22.31.
Variant type: single nucleotide variant.
Coding change: c.97G>A on transcript NM_181332.3 (MANE Select); coding-DNA position 97, G replaced by A.
Protein change: p.Ala33Thr; replaces alanine 33 with threonine.
Molecular consequence: missense variant.
Genome position (GRCh38, 1-based): chrX:6,151,370, C>T on the plus strand (G>A on the coding strand, the complement: NLGN4X is on the minus strand). VCF-style: chrX-6151370-C-T. GRCh37 (hg19) VCF-style: chrX-6069411-C-T.
Other names: c.97G>A, p.Ala33Thr (NM_001282145.2, NM_001282146.2, NM_020742.4); short protein forms A33T.
Identifiers: ClinVar variation 3370964 (VCV003370964.14).

ClinVar aggregate classification (germline): Uncertain significance. Review status: criteria provided, multiple submitters, no conflicts (2 of 4 stars). 2 submissions from 2 submitters: Uncertain significance (2). Last evaluated 2024-12-01.

Submissions (2):

CeGaT Center for Human Genetics Tuebingen
Classification: Uncertain significance. Last evaluated: 2024-12-01. Review status: criteria provided, single submitter. Criteria: CeGaT Center For Human Genetics Tuebingen Variant Classification Criteria Version 2. Collection method: clinical testing. Allele origin: germline. Affected: yes. Observed: 1 variant allele.
Comment: NLGN4X: PM2, BP4

GeneDx
Classification: Uncertain significance. Last evaluated: 2024-03-15. Review status: criteria provided, single submitter. Criteria: GeneDx Variant Classification Process June 2021. Collection method: clinical testing. Allele origin: germline. Affected: yes.
Comment: Not observed at significant frequency in large population cohorts (gnomAD); In silico analysis supports that this missense variant does not alter protein structure/function; Has not been previously published as pathogenic or benign to our knowledge